The following is an entry in ClinVar:

NM_000138.5(FBN1):c.7115G>A (p.Gly2372Asp)

Gene: FBN1 (fibrillin 1; minus strand). Cytogenetic location: 15q21.1.
Variant type: single nucleotide variant.
Coding change: c.7115G>A on transcript NM_000138.5 (MANE Select); coding-DNA position 7115, G replaced by A.
Protein change: p.Gly2372Asp; replaces glycine 2372 with aspartic acid.
Molecular consequence: missense variant.
Genome position (GRCh38, 1-based): chr15:48,427,656, C>T on the plus strand (G>A on the coding strand, the complement: FBN1 is on the minus strand). VCF-style: chr15-48427656-C-T. GRCh37 (hg19) VCF-style: chr15-48719853-C-T.
Other names: c.7115G>A, p.Gly2372Asp (NM_001406716.1); short protein forms G2372D.
Identifiers: ClinVar variation 3337098 (VCV003337098.3).

ClinVar aggregate classification (germline): Uncertain significance. Review status: criteria provided, multiple submitters, no conflicts (2 of 4 stars). 2 submissions from 2 submitters: Uncertain significance (2). Last evaluated 2025-07-09.

gnomAD v4.1: 2 of 1,614,148 alleles (0.00012%); highest among the groups gnomAD compares: Non-Finnish European, 0.00017%; no homozygotes.

Submissions (2):

GeneDx
Classification: Uncertain significance. Last evaluated: 2025-07-09. Review status: criteria provided, single submitter. Criteria: GeneDx Variant Classification Process June 2021. Collection method: clinical testing. Allele origin: germline.
Comment: Has not been previously published as pathogenic or benign to our knowledge; Not observed at significant frequency in large population cohorts (gnomAD); In silico analysis supports that this missense variant has a deleterious effect on protein structure/function; This variant is associated with the following publications: (PMID: 12938084)

Clinical Genetics Laboratory, Skane University Hospital Lund
Classification: Uncertain significance. Last evaluated: 2022-05-27. Review status: criteria provided, single submitter. Criteria: ACMG Guidelines, 2015. Collection method: clinical testing. Allele origin: germline. Affected: yes.